The following is an entry in ClinVar:

NM_014339.7(IL17RA):c.1675C>G (p.Leu559Val)

Gene: IL17RA (interleukin 17 receptor A; plus strand). Cytogenetic location: 22q11.1.
Variant type: single nucleotide variant.
Coding change: c.1675C>G on transcript NM_014339.7 (MANE Select); coding-DNA position 1675, C replaced by G.
Protein change: p.Leu559Val; replaces leucine 559 with valine.
Molecular consequence: missense variant.
Genome position (GRCh38, 1-based): chr22:17,108,894, C>G. VCF-style: chr22-17108894-C-G. GRCh37 (hg19) VCF-style: chr22-17589784-C-G.
Other names: c.1573C>G, p.Leu525Val (NM_001289905.2); short protein forms L559V, L525V.
Identifiers: ClinVar variation 568916 (VCV000568916.6), dbSNP rs751753949, ClinGen allele CA10086818.
Genomic context (GRCh38, chr22:17,108,894, plus strand): 5'-CTGGAGATGTTCCAGCCGGGCCGCATGCACCGCGTAGGGGAGCTGTCGGGGGACAACTAC[C>G]TGCGGAGCCCGGGCGGCAGGCAGCTCCGCGCCGCCCTGGACAGGTTCCGGGACTGGCAGG-3'
Protein context (NP_055154.3, residues 549-569): RVGELSGDNY[Leu559Val]RSPGGRQLRA

ClinVar aggregate classification (germline): Uncertain significance (1 of 4 stars; one submission).

Conditions:
Immunodeficiency 51 (IMD51). Also called: CANDIDIASIS, FAMILIAL, 5. Identifiers: Orphanet 1334, MedGen C4310803, MONDO:0013500, OMIM 613953.

Allele frequency attached by ClinVar (database versions not stated): TOPMed 0.00001.
gnomAD v4.1: 10 of 1,611,204 alleles (0.00062%); highest among the groups gnomAD compares: Non-Finnish European, 0.00085%; no homozygotes.

Submission:

Labcorp Genetics (formerly Invitae), Labcorp
Classification: Uncertain significance for Immunodeficiency 51. Last evaluated: 2021-09-01. Review status: criteria provided, single submitter. Criteria: Invitae Variant Classification Sherloc (09022015). Collection method: clinical testing. Allele origin: germline.
Comment: This sequence change replaces leucine with valine at codon 559 of the IL17RA protein (p.Leu559Val). The leucine residue is moderately conserved and there is a small physicochemical difference between leucine and valine. This variant is present in population databases (rs751753949, ExAC 0.006%). This variant has not been reported in the literature in individuals affected with IL17RA-related conditions. Algorithms developed to predict the effect of missense changes on protein structure and function are either unavailable or do not agree on the potential impact of this missense change (SIFT: "Tolerated"; PolyPhen-2: "Possibly Damaging"; Align-GVGD: "Class C0"). Algorithms developed to predict the effect of sequence changes on RNA splicing suggest that this variant may create or strengthen a splice site. In summary, the available evidence is currently insufficient to determine the role of this variant in disease. Therefore, it has been classified as a Variant of Uncertain Significance.